The following is an entry in ClinVar:

NM_016464.5(TMEM138):c.377-278G>A

Gene: TMEM138 (transmembrane protein 138; plus strand). Cytogenetic location: 11q12.2.
Variant type: single nucleotide variant.
Coding change: c.377-278G>A on transcript NM_016464.5 (MANE Select); 278 bases into the intron before coding-DNA position 377, G replaced by A.
Molecular consequence: intron variant. On other transcripts: 3 prime UTR variant (1).
Genome position (GRCh38, 1-based): chr11:61,368,319, G>A. VCF-style: chr11-61368319-G-A. GRCh37 (hg19) VCF-style: chr11-61135791-G-A.
Other names: c.*163G>A (NM_001410999.1); c.376+321G>A (NM_001410998.1, NM_001410997.1); c.203-278G>A (NM_001330281.2).
Identifiers: ClinVar variation 3770782 (VCV003770782.13).

ClinVar aggregate classification (germline): Likely benign (1 of 4 stars; one submission).

Submission:

CeGaT Center for Human Genetics Tuebingen
Classification: Likely benign. Last evaluated: 2025-02-01. Review status: criteria provided, single submitter. Criteria: CeGaT Center For Human Genetics Tuebingen Variant Classification Criteria Version 2. Collection method: clinical testing. Allele origin: germline. Affected: yes. Observed: 1 variant allele.
Comment: TMEM138: BP4, BP7, BS2